The following is an entry in ClinVar:

NM_001376.5(DYNC1H1):c.8324A>G (p.Glu2775Gly)

Gene: DYNC1H1 (dynein cytoplasmic 1 heavy chain 1; plus strand). Cytogenetic location: 14q32.31.
Variant type: single nucleotide variant.
Coding change: c.8324A>G on transcript NM_001376.5 (MANE Select); coding-DNA position 8324, A replaced by G.
Protein change: p.Glu2775Gly; replaces glutamic acid 2775 with glycine.
Molecular consequence: missense variant.
Genome position (GRCh38, 1-based): chr14:102,018,597, A>G. VCF-style: chr14-102018597-A-G. GRCh37 (hg19) VCF-style: chr14-102484934-A-G.
Other names: short protein forms E2775G.
Identifiers: ClinVar variation 1339068 (VCV001339068.2), dbSNP rs2152583834, ClinGen allele CA391005762.

ClinVar aggregate classification (germline): Uncertain significance (1 of 4 stars; one submission).

Conditions:
Cortical dysplasia, complex, with other brain malformations 13. Also called: Intellectual disability, autosomal dominant 13. Identifiers: MedGen C3281202, MONDO:0013805, OMIM 614563.

Submission:

Neuberg Centre For Genomic Medicine, NCGM
Classification: Uncertain significance for Cortical dysplasia, complex, with other brain malformations 13. Review status: criteria provided, single submitter. Criteria: ACMG Guidelines, 2015. Collection method: clinical testing. Allele origin: germline. Affected: yes.
Comment: The missense variant p.E2775G in DYNC1H1 (NM_001376.5) has not been reported previously as a pathogenic variant nor as a benign variant, to our knowledge. The p.E2775G variant is novel (not in any individuals) in gnomAD Exomes and is novel (not in any individuals) in 1000 Genomes. The p.E2775G missense variant is predicted to be damaging by both SIFT and PolyPhen2. The glutamic acid residue at codon 2775 of DYNC1H1 is conserved in all mammalian species. The nucleotide c.8324 in DYNC1H1 is predicted conserved by GERP++ and PhyloP across 100 vertebrates. For these reasons, this variant has been classified as Uncertain Significance.